The following is an entry in ClinVar:

ClinVar aggregate classification (germline): Uncertain significance. Review status: criteria provided, multiple submitters, no conflicts (2 of 4 stars). 5 submissions from 4 submitters: Uncertain significance (5). Last evaluated 2024-11-08.

Conditions:
LAMB2-related infantile-onset nephrotic syndrome. Also called: NEPHROTIC SYNDROME, TYPE 5, WITHOUT OCULAR ABNORMALITIES; NEPHROTIC SYNDROME, TYPE 5, WITH OCULAR ABNORMALITIES; Nephrotic Syndrome, type 5. Identifiers: Orphanet 306507, MedGen C3280113, MONDO:0013621, OMIM 614199.
Pierson syndrome. Also called: MICROCORIA-CONGENITAL NEPHROTIC SYNDROME. Identifiers: Orphanet 2670, MedGen C1836876, MONDO:0012184, OMIM 609049.
Inborn genetic diseases. Identifiers: MedGen C0950123, MeSH D030342.

Allele frequency attached by ClinVar (database versions not stated): ExAC 0.00004; gnomAD 0.00005 and 0.00006; TOPMed 0.00005; gnomAD exomes 0.00008.
gnomAD v4.1: 132 of 1,614,084 alleles (0.0082%); highest among the groups gnomAD compares: Middle Eastern, 0.016%; no homozygotes.

Submissions (5):

Ambry Genetics
Classification: Uncertain significance for Inborn genetic diseases. Last evaluated: 2024-11-08. Review status: criteria provided, single submitter. Criteria: Ambry Variant Classification Scheme 2023. Collection method: clinical testing. Allele origin: germline.

Fulgent Genetics
Classification: Uncertain significance for Pierson syndrome; LAMB2-related infantile-onset nephrotic syndrome. Last evaluated: 2024-06-11. Review status: criteria provided, single submitter. Criteria: ACMG Guidelines, 2015. Collection method: clinical testing. Allele origin: germline.

Labcorp Genetics (formerly Invitae), Labcorp
Classification: Uncertain significance for LAMB2-related infantile-onset nephrotic syndrome; Pierson syndrome. Last evaluated: 2024-04-10. Review status: criteria provided, single submitter. Criteria: Invitae Variant Classification Sherloc (09022015). Collection method: clinical testing. Allele origin: germline.
Comment: This sequence change replaces arginine, which is basic and polar, with tryptophan, which is neutral and slightly polar, at codon 94 of the LAMB2 protein (p.Arg94Trp). This variant is present in population databases (rs754551568, gnomAD 0.06%). This variant has not been reported in the literature in individuals affected with LAMB2-related conditions. ClinVar contains an entry for this variant (Variation ID: 346011). An algorithm developed to predict the effect of missense changes on protein structure and function (PolyPhen-2) suggests that this variant is likely to be disruptive. In summary, the available evidence is currently insufficient to determine the role of this variant in disease. Therefore, it has been classified as a Variant of Uncertain Significance.

Illumina Laboratory Services, Illumina
Classification: Uncertain significance for Pierson syndrome. Last evaluated: 2018-01-13. Review status: criteria provided, single submitter. Criteria: ICSL Variant Classification Criteria 13 December 2019. Collection method: clinical testing. Allele origin: germline.

Illumina Laboratory Services, Illumina
Classification: Uncertain significance for LAMB2-related infantile-onset nephrotic syndrome. Last evaluated: 2018-01-13. Review status: criteria provided, single submitter. Criteria: ICSL Variant Classification Criteria 13 December 2019. Collection method: clinical testing. Allele origin: germline.

NM_002292.4(LAMB2):c.280C>T (p.Arg94Trp)

Gene: LAMB2 (laminin subunit beta 2; minus strand). Cytogenetic location: 3p21.31.
Variant type: single nucleotide variant.
Coding change: c.280C>T on transcript NM_002292.4 (MANE Select); coding-DNA position 280, C replaced by T.
Protein change: p.Arg94Trp; replaces arginine 94 with tryptophan.
Molecular consequence: missense variant.
Genome position (GRCh38, 1-based): chr3:49,132,375, G>A on the plus strand (C>T on the coding strand, the complement: LAMB2 is on the minus strand). VCF-style: chr3-49132375-G-A. GRCh37 (hg19) VCF-style: chr3-49169808-G-A.
Other names: short protein forms R94W.
Identifiers: ClinVar variation 346011 (VCV000346011.15), dbSNP rs754551568, ClinGen allele CA2394972.